The following is an entry in ClinVar:

NM_000130.5(F5):c.6589A>G (p.Ile2197Val)

Gene: F5 (coagulation factor V; minus strand). Cytogenetic location: 1q24.2.
Variant type: single nucleotide variant.
Coding change: c.6589A>G on transcript NM_000130.5 (MANE Select); coding-DNA position 6589, A replaced by G.
Protein change: p.Ile2197Val; replaces isoleucine 2197 with valine.
Molecular consequence: missense variant.
Genome position (GRCh38, 1-based): chr1:169,514,399, T>C on the plus strand (A>G on the coding strand, the complement: F5 is on the minus strand). VCF-style: chr1-169514399-T-C. GRCh37 (hg19) VCF-style: chr1-169483637-T-C.
Other names: short protein forms I2197V.
Identifiers: ClinVar variation 293572 (VCV000293572.11), dbSNP rs372005449, ClinGen allele CA1233200.

ClinVar aggregate classification (germline): Uncertain significance. Review status: criteria provided, multiple submitters, no conflicts (2 of 4 stars). 6 submissions from 4 submitters: Uncertain significance (6). Last evaluated 2025-11-20.

Conditions:
Factor V deficiency. Also called: Reduced coagulation factor V activity. Identifiers: Orphanet 326, MedGen C4317320, MONDO:0020586, HP:0003225.
Inborn genetic diseases. Identifiers: MedGen C0950123, MeSH D030342.
Budd-Chiari syndrome (BDCHS). Also called: Hepatic vein obstruction. Identifiers: Orphanet 131, MedGen C0856761, MONDO:0010947, OMIM 600880, HP:0002639.
Thrombophilia due to thrombin defect (THPH1). Also called: Prothrombin Thrombophilia; Thrombosis susceptibility; THROMBOPHILIA DUE TO FACTOR 2 DEFECT; Prothrombin-Related Thrombophilia (Factor II). Identifiers: MedGen C3160733, MONDO:0008559, OMIM 188050. Disease mechanism: gain of function, loss of function.
F5-related disorder. Also called: F5-related condition.

Allele frequency attached by ClinVar (database versions not stated): gnomAD 0.00005; ESP Exome Variant Server 0.00008; TOPMed 0.00008.
gnomAD v4.1: 85 of 1,613,202 alleles (0.0053%); highest among the groups gnomAD compares: Non-Finnish European, 0.0061%; no homozygotes.

Submissions (6):

Ambry Genetics
Classification: Uncertain significance for Inborn genetic diseases. Last evaluated: 2025-11-20. Review status: criteria provided, single submitter. Criteria: Ambry Variant Classification Scheme 2023. Collection method: clinical testing. Allele origin: germline.

PreventionGenetics, part of Exact Sciences
Classification: Uncertain significance for F5-related condition. Last evaluated: 2024-11-21. Review status: criteria provided, single submitter. Criteria: ACMG Guidelines, 2015. Collection method: clinical testing. Allele origin: germline.
Comment: The F5 c.6589A>G variant is predicted to result in the amino acid substitution p.Ile2197Val. To our knowledge, this variant has not been reported in the literature. An alternate missense variant at the same amino acid position, described as p.Ile2197Phe, has been reported as a variant of uncertain significance in a patient with acute aortic dissection (Supplementary Table 2 in Zheng et al. 2018. PubMed ID: 30056620). This variant is reported in 0.013% of alleles in individuals of European (Non-Finnish) descent in gnomAD. At this time, the clinical significance of this variant is uncertain due to the absence of conclusive functional and genetic evidence.

Greenwood Genetic Center Diagnostic Laboratories, Greenwood Genetic Center
Classification: Uncertain significance. Last evaluated: 2024-05-22. Review status: criteria provided, single submitter. Criteria: ACMG Guidelines, 2015. Collection method: clinical testing. Allele origin: germline. Affected: yes.
Comment: PM2

Illumina Laboratory Services, Illumina
Classification: Uncertain significance for Budd-Chiari syndrome. Last evaluated: 2018-01-12. Review status: criteria provided, single submitter. Criteria: ICSL Variant Classification Criteria 13 December 2019. Collection method: clinical testing. Allele origin: germline.

Illumina Laboratory Services, Illumina
Classification: Uncertain significance for Venous thrombosis. Last evaluated: 2018-01-12. Review status: criteria provided, single submitter. Criteria: ICSL Variant Classification Criteria 13 December 2019. Collection method: clinical testing. Allele origin: germline.

Illumina Laboratory Services, Illumina
Classification: Uncertain significance for Congenital factor V deficiency. Last evaluated: 2018-01-12. Review status: criteria provided, single submitter. Criteria: ICSL Variant Classification Criteria 13 December 2019. Collection method: clinical testing. Allele origin: germline.